The following is an entry in ClinVar:

NM_001042492.3(NF1):c.2219del (p.Glu740fs)

Gene: NF1 (neurofibromin 1; plus strand). Cytogenetic location: 17q11.2.
Variant type: Deletion.
Coding change: c.2219del on transcript NM_001042492.3 (MANE Select); coding-DNA position 2219, one base deleted (A; older notation c.2219delA).
Protein change: p.Glu740fs; shifts the reading frame from glutamic acid 740.
Molecular consequence: frameshift variant.
Genome position (GRCh38, 1-based): chr17:31,226,652, A deleted. VCF-style (leftmost placement, unchanged base first): chr17-31226651-GA-G. GRCh37 (hg19) VCF-style: chr17-29553669-GA-G.
Other names: c.2219delA, p.Glu740Glyfs (NM_000267.4); short protein forms E740fs.
Identifiers: ClinVar variation 1675666 (VCV001675666.33), dbSNP rs2151426094, ClinGen allele CA2573153262.

ClinVar aggregate classification (germline): Pathogenic (1 of 4 stars; one submission).

Submission:

CeGaT Center for Human Genetics Tuebingen
Classification: Pathogenic. Last evaluated: 2022-03-01. Review status: criteria provided, single submitter. Criteria: CeGaT Center For Human Genetics Tuebingen Variant Classification Criteria Version 2. Collection method: clinical testing. Allele origin: germline. Affected: yes. Observed: 1 variant allele.
Comment: NF1: PVS1, PM2